The following is an entry in ClinVar:

NM_000350.3(ABCA4):c.5197-3G>A

Gene: ABCA4 (ATP binding cassette subfamily A member 4; minus strand). Cytogenetic location: 1p22.1.
Variant type: single nucleotide variant.
Coding change: c.5197-3G>A on transcript NM_000350.3 (MANE Select); 3 bases into the intron before coding-DNA position 5197, G replaced by A.
Molecular consequence: intron variant.
Genome position (GRCh38, 1-based): chr1:94,015,857, C>T on the plus strand (G>A on the coding strand, the complement: ABCA4 is on the minus strand). VCF-style: chr1-94015857-C-T. GRCh37 (hg19) VCF-style: chr1-94481413-C-T.
Identifiers: ClinVar variation 1054851 (VCV001054851.7), dbSNP rs180865157, ClinGen allele CA957347.

ClinVar aggregate classification (germline): Uncertain significance (1 of 4 stars; one submission).

Allele frequency attached by ClinVar (database versions not stated): gnomAD exomes 0.00002 and 0.00004; ExAC 0.00004; TOPMed 0.00006; 1000 Genomes Project 30x 0.00016; 1000 Genomes Project 0.00020.

Submission:

Labcorp Genetics (formerly Invitae), Labcorp
Classification: Uncertain significance. Last evaluated: 2022-07-05. Review status: criteria provided, single submitter. Criteria: Invitae Variant Classification Sherloc (09022015). Collection method: clinical testing. Allele origin: germline.
Comment: This sequence change falls in intron 36 of the ABCA4 gene. It does not directly change the encoded amino acid sequence of the ABCA4 protein. It affects a nucleotide within the consensus splice site. This variant is present in population databases (rs180865157, gnomAD 0.05%). This variant has not been reported in the literature in individuals affected with ABCA4-related conditions. ClinVar contains an entry for this variant (Variation ID: 1054851). Variants that disrupt the consensus splice site are a relatively common cause of aberrant splicing (PMID: 17576681, 9536098). Algorithms developed to predict the effect of sequence changes on RNA splicing suggest that this variant is not likely to affect RNA splicing. In summary, the available evidence is currently insufficient to determine the role of this variant in disease. Therefore, it has been classified as a Variant of Uncertain Significance.

Literature cited by the submitters: PubMed 17576681; PubMed 9536098.